The following is an entry in ClinVar:

ClinVar aggregate classification (germline): Uncertain significance (1 of 4 stars; one submission).

Conditions:
Hereditary spastic paraplegia 11. Also called: SPASTIC PARAPLEGIA, AUTOSOMAL RECESSIVE, COMPLICATED, WITH THIN CORPUS CALLOSUM; SPASTIC PARAPLEGIA, AUTOSOMAL RECESSIVE, WITH MENTAL IMPAIRMENT AND THIN CORPUS CALLOSUM; Spastic paraplegia, mental retardation and thin corpus callosum; Nakamura Osame syndrome; Autosomal recessive hereditary spastic paraplegia, mental impairment, and thin corpus callosum; Spastic Paraplegia 11. Identifiers: Orphanet 2822, MedGen C1858479, MONDO:0011445, OMIM 604360.

Submission:

Labcorp Genetics (formerly Invitae), Labcorp
Classification: Uncertain significance for Hereditary spastic paraplegia 11. Last evaluated: 2021-08-14. Review status: criteria provided, single submitter. Criteria: Invitae Variant Classification Sherloc (09022015). Collection method: clinical testing. Allele origin: germline.
Comment: This sequence change replaces alanine with valine at codon 20 of the SPG11 protein (p.Ala20Val). The alanine residue is weakly conserved and there is a small physicochemical difference between alanine and valine. This variant is not present in population databases (ExAC no frequency). This variant has not been reported in the literature in individuals affected with SPG11-related conditions. Algorithms developed to predict the effect of missense changes on protein structure and function are either unavailable or do not agree on the potential impact of this missense change (SIFT: "Tolerated"; PolyPhen-2: "Not Available"; Align-GVGD: "Class C0"). In summary, the available evidence is currently insufficient to determine the role of this variant in disease. Therefore, it has been classified as a Variant of Uncertain Significance.

NM_025137.4(SPG11):c.59C>T (p.Ala20Val)

Gene: SPG11 (SPG11 vesicle trafficking associated, spatacsin; minus strand). Cytogenetic location: 15q21.1.
Variant type: single nucleotide variant.
Coding change: c.59C>T on transcript NM_025137.4 (MANE Select); coding-DNA position 59, C replaced by T.
Protein change: p.Ala20Val; replaces alanine 20 with valine.
Molecular consequence: missense variant.
Genome position (GRCh38, 1-based): chr15:44,663,589, G>A on the plus strand (C>T on the coding strand, the complement: SPG11 is on the minus strand). VCF-style: chr15-44663589-G-A. GRCh37 (hg19) VCF-style: chr15-44955787-G-A.
Other names: c.59C>T, p.Ala20Val (NM_001160227.2); short protein forms A20V.
Identifiers: ClinVar variation 1495486 (VCV001495486.5), dbSNP rs1453437368, ClinGen allele CA392238854.